The following is an entry in ClinVar:

ClinVar aggregate classification (germline): Uncertain significance (1 of 4 stars; one submission).

Conditions:
Autosomal dominant nonsyndromic hearing loss 1. Also called: KONIGSMARK SYNDROME; DEAFNESS, AUTOSOMAL DOMINANT 1, WITH OR WITHOUT THROMBOCYTOPENIA. Identifiers: Orphanet 90635, MedGen C1852282, MONDO:0007424, OMIM 124900.
Progressive microcephaly-seizures-cortical blindness-developmental delay syndrome. Also called: Seizures, cortical blindness, and microcephaly syndrome. Identifiers: Orphanet 477814, MedGen C5567650, MONDO:0014714, OMIM 616632.

Submission:

Labcorp Genetics (formerly Invitae), Labcorp
Classification: Uncertain significance for Progressive microcephaly-seizures-cortical blindness-developmental delay syndrome; Autosomal dominant nonsyndromic hearing loss 1. Last evaluated: 2024-05-06. Review status: criteria provided, single submitter. Criteria: Invitae Variant Classification Sherloc (09022015). Collection method: clinical testing. Allele origin: germline.
Comment: This sequence change falls in intron 1 of the DIAPH1 gene. It does not directly change the encoded amino acid sequence of the DIAPH1 protein. It affects a nucleotide within the consensus splice site. This variant is not present in population databases (gnomAD no frequency). This variant has not been reported in the literature in individuals affected with DIAPH1-related conditions. Variants that disrupt the consensus splice site are a relatively common cause of aberrant splicing (PMID: 17576681, 9536098). Algorithms developed to predict the effect of sequence changes on RNA splicing suggest that this variant is not likely to affect RNA splicing. In summary, the available evidence is currently insufficient to determine the role of this variant in disease. Therefore, it has been classified as a Variant of Uncertain Significance.

Literature cited by the submitters: PubMed 17576681; PubMed 9536098.

NM_005219.5(DIAPH1):c.117+3G>A

Gene: DIAPH1 (diaphanous related formin 1; minus strand). Cytogenetic location: 5q31.3.
Variant type: single nucleotide variant.
Coding change: c.117+3G>A on transcript NM_005219.5 (MANE Select); 3 bases into the intron after coding-DNA position 117, G replaced by A.
Molecular consequence: intron variant.
Genome position (GRCh38, 1-based): chr5:141,618,795, C>T on the plus strand (G>A on the coding strand, the complement: DIAPH1 is on the minus strand). VCF-style: chr5-141618795-C-T. GRCh37 (hg19) VCF-style: chr5-140998362-C-T.
Other names: c.117+3G>A (NM_001079812.3, NM_001314007.2).
Identifiers: ClinVar variation 3756211 (VCV003756211.2).